The following is an entry in ClinVar:

NM_001256447.2(BCAP31):c.477+6C>T

Gene: BCAP31 (B cell receptor associated protein 31; minus strand). Cytogenetic location: Xq28.
Variant type: single nucleotide variant.
Coding change: c.477+6C>T on transcript NM_001256447.2 (MANE Select); 6 bases into the intron after coding-DNA position 477, C replaced by T.
Molecular consequence: intron variant.
Genome position (GRCh38, 1-based): chrX:153,703,953, G>A on the plus strand (C>T on the coding strand, the complement: BCAP31 is on the minus strand). VCF-style: chrX-153703953-G-A. GRCh37 (hg19) VCF-style: chrX-152969408-G-A.
Other names: c.477+6C>T (NM_005745.8, NM_001139441.1); c.678+6C>T (NM_001139457.2).
Identifiers: ClinVar variation 2857404 (VCV002857404.3), dbSNP rs2522194556, ClinGen allele CA2739273806.

ClinVar aggregate classification (germline): Uncertain significance (1 of 4 stars; one submission).

Submission:

Labcorp Genetics (formerly Invitae), Labcorp
Classification: Uncertain significance. Last evaluated: 2023-11-14. Review status: criteria provided, single submitter. Criteria: Invitae Variant Classification Sherloc (09022015). Collection method: clinical testing. Allele origin: germline.
Comment: This sequence change falls in intron 5 of the BCAP31 gene. It does not directly change the encoded amino acid sequence of the BCAP31 protein. It affects a nucleotide within the consensus splice site. This variant is not present in population databases (gnomAD no frequency). This variant has not been reported in the literature in individuals affected with BCAP31-related conditions. Variants that disrupt the consensus splice site are a relatively common cause of aberrant splicing (PMID: 17576681, 9536098). Algorithms developed to predict the effect of sequence changes on RNA splicing suggest that this variant is not likely to affect RNA splicing. In summary, the available evidence is currently insufficient to determine the role of this variant in disease. Therefore, it has been classified as a Variant of Uncertain Significance.

Literature cited by the submitters: PubMed 17576681; PubMed 9536098.